The following is an entry in ClinVar:

ClinVar aggregate classification (germline): Pathogenic/Likely pathogenic. Review status: criteria provided, multiple submitters, no conflicts (2 of 4 stars). 5 submissions from 5 submitters: Pathogenic (3); Likely pathogenic (1). 1 of the submissions does not count toward it. Last evaluated 2025-09-03.

Conditions:
Cystic fibrosis (CF). Also called: MUCOVISCIDOSIS. Identifiers: Orphanet 586, MedGen C0010674, MONDO:0009061, OMIM 219700. Disease mechanism: loss of function.

Submissions (5):

Labcorp Genetics (formerly Invitae), Labcorp
Classification: Pathogenic for Cystic fibrosis. Last evaluated: 2025-09-03. Review status: criteria provided, single submitter. Criteria: Invitae Variant Classification Sherloc (09022015). Collection method: clinical testing. Allele origin: germline.
Comment: This sequence change replaces tyrosine, which is neutral and polar, with histidine, which is basic and polar, at codon 569 of the CFTR protein (p.Tyr569His). This variant is not present in population databases (gnomAD no frequency). This missense change has been observed in individual(s) with clinical features of CFTR-related conditions (PMID: 10869121, 10923036, 30548586). In at least one individual the data is consistent with being in trans (on the opposite chromosome) from a pathogenic variant. ClinVar contains an entry for this variant (Variation ID: 53351). Invitae Evidence Modeling of protein sequence and biophysical properties (such as structural, functional, and spatial information, amino acid conservation, physicochemical variation, residue mobility, and thermodynamic stability) indicates that this missense variant is expected to disrupt CFTR protein function with a positive predictive value of 80%. This variant disrupts the p.Tyr569 amino acid residue in CFTR. Other variant(s) that disrupt this residue have been determined to be pathogenic (PMID: 9482579, 23613805, 23891399). This suggests that this residue is clinically significant, and that variants that disrupt this residue are likely to be disease-causing. For these reasons, this variant has been classified as Pathogenic.

GeneDx
Classification: Pathogenic. Last evaluated: 2025-03-05. Review status: criteria provided, single submitter. Criteria: GeneDx Variant Classification Process June 2021. Collection method: clinical testing. Allele origin: germline. Affected: yes.
Comment: Not observed at significant frequency in large population cohorts (gnomAD); In silico analysis supports that this missense variant has a deleterious effect on protein structure/function; This variant is associated with the following publications: (PMID: 10923036, 10869121, 8844213, 30548586, 29504914, 32429104, 26399542, 26437683, 38003474, 23613805, 23891399)

Quest Diagnostics Nichols Institute San Juan Capistrano
Classification: Likely pathogenic. Last evaluated: 2018-12-27. Review status: criteria provided, single submitter. Criteria: Quest Diagnostics criteria. Collection method: clinical testing. Allele origin: germline.
Comment: Not found in the total gnomAD dataset, and the data is high quality (0/281774 chr). Predicted to have a damaging effect on the protein. Occurs in multiple cases with a recessive pathogenic variant in the same gene.

CFTR-France
Classification: Pathogenic for cystic fibrosis. Last evaluated: 2018-01-29. Review status: criteria provided, single submitter. Criteria: Claustres M et al. (Hum Mutat 2017). Collection method: curation. Allele origin: germline. Affected: yes.

ClinVar Staff, National Center for Biotechnology Information (NCBI)
No classification provided. Condition: CFTR-related disorders. Review status: no classification provided. Collection method: literature only. Allele origin: germline. Affected: yes. Not counted in ClinVar's aggregate classification.

Literature cited by the submitters: PubMed 10869121 (cited by 3 submitters); PubMed 10923036 (cited by Labcorp Genetics (formerly Invitae), Labcorp); PubMed 30548586 (cited by Labcorp Genetics (formerly Invitae), Labcorp and Quest Diagnostics Nichols Institute San Juan Capistrano); PubMed 9482579 (cited by Labcorp Genetics (formerly Invitae), Labcorp); PubMed 23613805 (cited by Labcorp Genetics (formerly Invitae), Labcorp); PubMed 23891399 (cited by Labcorp Genetics (formerly Invitae), Labcorp); PubMed 26399542 (cited by Quest Diagnostics Nichols Institute San Juan Capistrano).

NM_000492.4(CFTR):c.1705T>C (p.Tyr569His)

Gene: CFTR (CF transmembrane conductance regulator; plus strand). Cytogenetic location: 7q31.2.
Variant type: single nucleotide variant.
Coding change: c.1705T>C on transcript NM_000492.4 (MANE Select); coding-DNA position 1705, T replaced by C.
Protein change: p.Tyr569His; replaces tyrosine 569 with histidine.
Molecular consequence: missense variant.
Genome position (GRCh38, 1-based): chr7:117,590,378, T>C. VCF-style: chr7-117590378-T-C. GRCh37 (hg19) VCF-style: chr7-117230432-T-C.
Other names: short protein forms Y569H.
Identifiers: ClinVar variation 53351 (VCV000053351.13), dbSNP rs397508276, ClinGen allele CA326623.
Genomic context (GRCh38, chr7:117,590,378, plus strand): 5'-GAGGAAATGTAATTTAATTTCCATTTTCTTTTTAGAGCAGTATACAAAGATGCTGATTTG[T>C]ATTTATTAGACTCTCCTTTTGGATACCTAGATGTTTTAACAGAAAAAGAAATATTTGAAA-3'
Protein context (NP_000483.3, residues 559-579): ARAVYKDADL[Tyr569His]LLDSPFGYLD